The following is an entry in ClinVar:

NM_001557.4(CXCR2):c.572A>G (p.Asn191Ser)

Gene: CXCR2 (C-X-C motif chemokine receptor 2; plus strand). Cytogenetic location: 2q35.
Variant type: single nucleotide variant.
Coding change: c.572A>G on transcript NM_001557.4 (MANE Select); coding-DNA position 572, A replaced by G.
Protein change: p.Asn191Ser; replaces asparagine 191 with serine.
Molecular consequence: missense variant.
Genome position (GRCh38, 1-based): chr2:218,135,373, A>G. VCF-style: chr2-218135373-A-G. GRCh37 (hg19) VCF-style: chr2-219000096-A-G.
Other names: c.572A>G, p.Asn191Ser (NM_001168298.2); short protein forms N191S.
Identifiers: ClinVar variation 1477490 (VCV001477490.6), dbSNP rs573773779, ClinGen allele CA2101729.

ClinVar aggregate classification (germline): Uncertain significance (1 of 4 stars; one submission).

Allele frequency attached by ClinVar (database versions not stated): gnomAD 0.00001 and 0.00002; gnomAD exomes 0.00001 and 0.00002; ExAC 0.00002; TOPMed 0.00002; 1000 Genomes Project 0.00020; 1000 Genomes Project 30x 0.00031.
gnomAD v4.1: 16 of 1,614,098 alleles (0.00099%); highest among the groups gnomAD compares: South Asian, 0.0055%; no homozygotes.

Submission:

Labcorp Genetics (formerly Invitae), Labcorp
Classification: Uncertain significance. Last evaluated: 2025-06-19. Review status: criteria provided, single submitter. Criteria: Invitae Variant Classification Sherloc (09022015). Collection method: clinical testing. Allele origin: germline.
Comment: This sequence change replaces asparagine, which is neutral and polar, with serine, which is neutral and polar, at codon 191 of the CXCR2 protein (p.Asn191Ser). This variant is present in population databases (rs573773779, gnomAD 0.01%). This variant has not been reported in the literature in individuals affected with CXCR2-related conditions. ClinVar contains an entry for this variant (Variation ID: 1477490). An algorithm developed to predict the effect of missense changes on protein structure and function outputs the following: PolyPhen-2: "Benign". The serine amino acid residue is found in multiple mammalian species, which suggests that this missense change does not adversely affect protein function. In summary, the available evidence is currently insufficient to determine the role of this variant in disease. Therefore, it has been classified as a Variant of Uncertain Significance.